The following is an entry in ClinVar:

NM_001875.5(CPS1):c.472G>C (p.Val158Leu)

Gene: CPS1 (carbamoyl-phosphate synthase 1; plus strand). Cytogenetic location: 2q34.
Variant type: single nucleotide variant.
Coding change: c.472G>C on transcript NM_001875.5 (MANE Select); coding-DNA position 472, G replaced by C.
Protein change: p.Val158Leu; replaces valine 158 with leucine.
Molecular consequence: missense variant. On other transcripts: non-coding transcript variant (1).
Genome position (GRCh38, 1-based): chr2:210,579,714, G>C. VCF-style: chr2-210579714-G-C. GRCh37 (hg19) VCF-style: chr2-211444438-G-C.
Other names: c.472G>C, p.Val158Leu (NM_001122633.3, NM_001369257.1); c.505G>C, p.Val169Leu (NM_001369256.1); short protein forms V158L, V169L.
Identifiers: ClinVar variation 4715684 (VCV004715684.1).
Genomic context (GRCh38, chr2:210,579,714, plus strand): 5'-AACAATATGCTGGATTTAATCTCCTCCAATTTCACTGTCACTACAATTTTTTTCTTATAG[G>C]TTCCTGCAATTTATGGAGTGGACACAAGAATGCTGACTAAAATAATTCGGGATAAGGTAT-3'
Protein context (NP_001866.2, residues 148-168): SLGQWLQEEK[Val158Leu]PAIYGVDTRM

ClinVar aggregate classification (germline): Uncertain significance (1 of 4 stars; one submission).

Conditions:
Congenital hyperammonemia, type I. Also called: CPS I DEFICIENCY; Carbamoyl phosphate synthetase I deficiency disease; Carbamoyl-phosphate synthase I deficiency; Carbamoyl phosphate synthetase 1 deficiency; Hyperammonemia due to carbamoyl phosphate synthetase 1 deficiency; CPS 1 deficiency. Identifiers: Orphanet 147, MedGen C4082171, MONDO:0009376, OMIM 237300.

Submission:

Labcorp Genetics (formerly Invitae), Labcorp
Classification: Uncertain significance for Congenital hyperammonemia, type I. Last evaluated: 2025-03-25. Review status: criteria provided, single submitter. Criteria: Invitae Variant Classification Sherloc (09022015). Collection method: clinical testing. Allele origin: germline.
Comment: This sequence change replaces valine, which is neutral and non-polar, with leucine, which is neutral and non-polar, at codon 158 of the CPS1 protein (p.Val158Leu). This variant is not present in population databases (gnomAD no frequency). This variant has not been reported in the literature in individuals affected with CPS1-related conditions. An algorithm developed to predict the effect of missense changes on protein structure and function (PolyPhen-2) suggests that this variant is likely to be tolerated. In summary, the available evidence is currently insufficient to determine the role of this variant in disease. Therefore, it has been classified as a Variant of Uncertain Significance.